The following is an entry in ClinVar:

NC_000005.9:g.(?_177027212)_(177027281_?)del

Gene: B4GALT7 (beta-1,4-galactosyltransferase 7; plus strand). Cytogenetic location: 5q35.3.
Variant type: Deletion.
Identifiers: ClinVar variation 2425704 (VCV002425704.4).

ClinVar aggregate classification (germline): Uncertain significance (1 of 4 stars; one submission).

Conditions:
Spondylodysplastic Ehlers-Danlos syndrome. Identifiers: Orphanet 536471, Orphanet 75496, MedGen C5680154, MONDO:0007526.

Submission:

Labcorp Genetics (formerly Invitae), Labcorp
Classification: Uncertain significance for Spondylodysplastic Ehlers-Danlos syndrome. Last evaluated: 2022-07-14. Review status: criteria provided, single submitter. Criteria: Invitae Variant Classification Sherloc (09022015). Collection method: clinical testing. Allele origin: germline.
Comment: This variant is a gross deletion of the genomic region encompassing exon(s) 1 of the B4GALT7 gene, which includes the initiator codon. This deletion extends beyond the assayed region for this gene and therefore may encompass additional genes. It is expected to result in an absent or disrupted protein product. However, the current clinical and genetic evidence is not sufficient to establish whether loss-of-function variants in B4GALT7 cause disease. This variant has not been reported in the literature in individuals affected with B4GALT7-related conditions. Experimental studies and prediction algorithms are not available or were not evaluated, and the functional significance of this variant is currently unknown. In summary, the available evidence is currently insufficient to determine the role of this variant in disease. Therefore, it has been classified as a Variant of Uncertain Significance.